The following is an entry in ClinVar:

NM_004795.4(KL):c.2664G>A (p.Val888=)

Gene: KL (klotho; plus strand). Cytogenetic location: 13q13.1.
Variant type: single nucleotide variant.
Coding change: c.2664G>A on transcript NM_004795.4 (MANE Select); coding-DNA position 2664, G replaced by A.
Protein change: p.Val888=; no amino-acid change (valine 888 retained).
Molecular consequence: synonymous variant.
Genome position (GRCh38, 1-based): chr13:33,061,743, G>A. VCF-style: chr13-33061743-G-A. GRCh37 (hg19) VCF-style: chr13-33635880-G-A.
Identifiers: ClinVar variation 3905365 (VCV003905365.10).
Genomic context (GRCh38, chr13:33,061,743, plus strand): 5'-GTACATAATATCCAATGGAATCGATGACGGGCTGCATGCTGAGGACGACCAGCTGAGGGT[G>A]TATTATATGCAGAATTACATAAACGAAGCTCTCAAAGGTAAGGAGCCCTAGCTGCGGCTA-3'
Protein context (NP_004786.2, residues 878-898): GLHAEDDQLR[Val888=]YYMQNYINEA

ClinVar aggregate classification (germline): Likely benign (1 of 4 stars; one submission).

gnomAD v4.1: 9 of 1,614,058 alleles (0.00056%); highest among the groups gnomAD compares: South Asian, 0.0088%; no homozygotes.

Submission:

CeGaT Center for Human Genetics Tuebingen
Classification: Likely benign. Last evaluated: 2025-06-01. Review status: criteria provided, single submitter. Criteria: CeGaT Center For Human Genetics Tuebingen Variant Classification Criteria Version 2. Collection method: clinical testing. Allele origin: germline. Affected: yes. Observed: 1 variant allele.
Comment: KL: BP4, BP7